The following is an entry in ClinVar:

NM_000452.3(SLC10A2):c.979G>A (p.Glu327Lys)

Gene: SLC10A2 (solute carrier family 10 member 2; minus strand). Cytogenetic location: 13q33.1.
Variant type: single nucleotide variant.
Coding change: c.979G>A on transcript NM_000452.3 (MANE Select); coding-DNA position 979, G replaced by A.
Protein change: p.Glu327Lys; replaces glutamic acid 327 with lysine.
Molecular consequence: missense variant.
Genome position (GRCh38, 1-based): chr13:103,046,201, C>T on the plus strand (G>A on the coding strand, the complement: SLC10A2 is on the minus strand). VCF-style: chr13-103046201-C-T. GRCh37 (hg19) VCF-style: chr13-103698551-C-T.
Other names: short protein forms E327K.
Identifiers: ClinVar variation 2009541 (VCV002009541.4), dbSNP rs2501805434, ClinGen allele CA388605094.
Genomic context (GRCh38, chr13:103,046,201, plus strand): 5'-CGTCAGGTTGAAATCCTCCATTTGCCTTATAAAACGATGACTCTGGCTCCGTTCCATTTT[C>T]TTTGCTCTCTGGAATTTCTGCCTTGTTTTTTCCATGACATTTCTTGTATGCCACATAAAC-3'
Protein context (NP_000443.2, residues 317-337): KNKAEIPESK[Glu327Lys]NGTEPESSFY

ClinVar aggregate classification (germline): Uncertain significance (1 of 4 stars; one submission).

Allele frequency attached by ClinVar (database versions not stated): gnomAD exomes below 0.00001.
gnomAD v4.1: 4 of 1,613,858 alleles (0.00025%); highest among the groups gnomAD compares: Non-Finnish European, 0.00025%; no homozygotes.

Submission:

Labcorp Genetics (formerly Invitae), Labcorp
Classification: Uncertain significance. Last evaluated: 2025-02-06. Review status: criteria provided, single submitter. Criteria: Invitae Variant Classification Sherloc (09022015). Collection method: clinical testing. Allele origin: germline.
Comment: This sequence change replaces glutamic acid, which is acidic and polar, with lysine, which is basic and polar, at codon 327 of the SLC10A2 protein (p.Glu327Lys). This variant is not present in population databases (gnomAD no frequency). This variant has not been reported in the literature in individuals affected with SLC10A2-related conditions. ClinVar contains an entry for this variant (Variation ID: 2009541). An algorithm developed to predict the effect of missense changes on protein structure and function (PolyPhen-2) suggests that this variant is likely to be tolerated. In summary, the available evidence is currently insufficient to determine the role of this variant in disease. Therefore, it has been classified as a Variant of Uncertain Significance.